The following is an entry in ClinVar:

NM_003245.4(TGM3):c.78C>T (p.Ser26=)

Gene: TGM3 (transglutaminase 3; plus strand). Cytogenetic location: 20p13.
Variant type: single nucleotide variant.
Coding change: c.78C>T on transcript NM_003245.4 (MANE Select); coding-DNA position 78, C replaced by T.
Protein change: p.Ser26=; no amino-acid change (serine 26 retained).
Molecular consequence: synonymous variant.
Genome position (GRCh38, 1-based): chr20:2,309,727, C>T. VCF-style: chr20-2309727-C-T. GRCh37 (hg19) VCF-style: chr20-2290373-C-T.
Identifiers: ClinVar variation 3038978 (VCV003038978.2), dbSNP rs7262519, ClinGen allele CA9730714.
Genomic context (GRCh38, chr20:2,309,727, plus strand): 5'-CCAGAGTATCAACTGGCAGACGGCCTTCAACCGACAAGCGCATCACACAGACAAGTTCTC[C>T]AGCCAGGAGCTCATCTTGCGGAGAGGCCAAAACTTCCAGGTCTTAATGATCATGAACAAA-3'
Protein context (NP_003236.3, residues 16-36): NRQAHHTDKF[Ser26=]SQELILRRGQ

ClinVar aggregate classification (germline): Likely benign (0 of 4 stars; one submission).

Conditions:
TGM3-related disorder. Also called: TGM3-related condition.

Allele frequency attached by ClinVar (database versions not stated): gnomAD exomes 0.00014; ExAC 0.00043; gnomAD 0.00108; 1000 Genomes Project 0.00140; TOPMed 0.00141; 1000 Genomes Project 30x 0.00156; ESP Exome Variant Server 0.00231.
gnomAD v4.1: 380 of 1,614,192 alleles (0.024%); highest among the groups gnomAD compares: African/African-American, 0.42%; 1 homozygote.

Submission:

PreventionGenetics, part of Exact Sciences
Classification: Likely benign for TGM3-related condition. Last evaluated: 2020-06-26. Review status: no assertion criteria provided. Collection method: clinical testing. Allele origin: germline.
Comment: This variant is classified as likely benign based on ACMG/AMP sequence variant interpretation guidelines (Richards et al. 2015 PMID: 25741868, with internal and published modifications).